The following is an entry in ClinVar:

ClinVar aggregate classification (germline): Benign/Likely benign. Review status: criteria provided, multiple submitters, no conflicts (2 of 4 stars). 7 submissions from 7 submitters: Benign (4); Likely benign (1). 2 of the submissions do not count toward it. Last evaluated 2026-02-04.

Conditions:
Ehlers-Danlos syndrome, musculocontractural type 2 (EDSMC2). Identifiers: Orphanet 2953, MedGen C3809845, MONDO:0014236, OMIM 615539.

Allele frequency attached by ClinVar (database versions not stated): 1000 Genomes Project 30x 0.01983; 1000 Genomes Project 0.02037; TOPMed 0.03883; ESP Exome Variant Server 0.04852; gnomAD 0.05189 and 0.05356; ExAC 0.05525; gnomAD exomes 0.05602 and 0.06550.

Submissions (7):

Labcorp Genetics (formerly Invitae), Labcorp
Classification: Benign for Ehlers-Danlos syndrome, musculocontractural type 2. Last evaluated: 2026-02-04. Review status: criteria provided, single submitter. Criteria: Invitae Variant Classification Sherloc (09022015). Collection method: clinical testing. Allele origin: germline.

Women's Health and Genetics/Laboratory Corporation of America, LabCorp
Classification: Likely benign. Last evaluated: 2026-01-22. Review status: criteria provided, single submitter. Criteria: LabCorp Variant Classification Summary - May 2015. Collection method: clinical testing. Allele origin: germline.

Blueprint Genetics
Classification: Benign. Last evaluated: 2024-11-26. Review status: criteria provided, single submitter. Criteria: ACMG Guidelines, 2015. Collection method: clinical testing. Allele origin: germline.

Mayo Clinic Laboratories, Mayo Clinic
Classification: Benign. Last evaluated: 2022-04-26. Review status: criteria provided, single submitter. Criteria: ACMG Guidelines, 2015. Collection method: clinical testing. Allele origin: germline. Observed: 416 variant alleles.

GeneDx
Classification: Benign. Last evaluated: 2016-10-06. Review status: criteria provided, single submitter. Criteria: GeneDx Variant Classification (06012015). Collection method: clinical testing. Allele origin: germline. Affected: yes.
Comment: This variant is considered likely benign or benign based on one or more of the following criteria: it is a conservative change, it occurs at a poorly conserved position in the protein, it is predicted to be benign by multiple in silico algorithms, and/or has population frequency not consistent with disease.

Genome Diagnostics Laboratory, Amsterdam University Medical Center
Classification: Benign. Review status: no assertion criteria provided. Collection method: clinical testing. Allele origin: germline. Affected: yes. Study: VKGL Data-share Consensus. Not counted in ClinVar's aggregate classification.

Joint Genome Diagnostic Labs from Nijmegen and Maastricht, Radboudumc and MUMC+
Classification: Benign. Review status: no assertion criteria provided. Collection method: clinical testing. Allele origin: germline. Affected: yes. Study: VKGL Data-share Consensus. Not counted in ClinVar's aggregate classification.

NM_013352.4(DSE):c.1142T>C (p.Val381Ala)

Gene: DSE (dermatan sulfate epimerase; plus strand). Cytogenetic location: 6q22.1.
Variant type: single nucleotide variant.
Coding change: c.1142T>C on transcript NM_013352.4 (MANE Select); coding-DNA position 1142, T replaced by C.
Protein change: p.Val381Ala; replaces valine 381 with alanine.
Molecular consequence: missense variant. On other transcripts: 3 prime UTR variant (2), non-coding transcript variant (1).
Genome position (GRCh38, 1-based): chr6:116,435,610, T>C. VCF-style: chr6-116435610-T-C. GRCh37 (hg19) VCF-style: chr6-116756773-T-C.
Other names: p.Val381Ala; c.1142T>C, p.Val381Ala (NM_001080976.3, NM_001322937.2, NM_001322938.2); c.1199T>C, p.Val400Ala (NM_001322939.2); c.581T>C, p.Val194Ala (NM_001322940.2, NM_001322941.2); c.*7T>C (NM_001322943.2, NM_001322944.2); c.143T>C, p.Val48Ala (NM_001374520.1); c.107T>C, p.Val36Ala (NM_001374521.1); short protein forms V381A, V400A, V194A, V48A, V36A.
Identifiers: ClinVar variation 384689 (VCV000384689.16), dbSNP rs41313440, ClinGen allele CA3969630.
Genomic context (GRCh38, chr6:116,435,610, plus strand): 5'-ATCAGAAAACCATTTAATTTTTCAAAATTAATTTCAGGTATGATGGCAGCTTGAAATCGG[T>C]TCCTCCTCCAGACTTTGGCACCCCTACACTGCATTATTTTGAAGACTGGGGTGTCGTGAC-3'
Protein context (NP_037484.1, residues 371-391): FLWYDGSLKS[Val381Ala]PPPDFGTPTL